The following is an entry in ClinVar:

ClinVar aggregate classification (germline): Pathogenic (1 of 4 stars; one submission).

Conditions:
Marfan syndrome (MFS). Also called: FBN1-Related Marfan Syndrome; MARFAN SYNDROME, TYPE I; Marfan syndrome type 1; Marfan's syndrome; Marfan syndrome, classic. Identifiers: Orphanet 284963, Orphanet 558, MedGen C0024796, MONDO:0007947, OMIM 154700.
Familial thoracic aortic aneurysm and aortic dissection (TAAD). Also called: Thoracic aortic aneurysms and dissections. Identifiers: Orphanet 91387, MedGen C4707243, MONDO:0019625.

Submission:

Labcorp Genetics (formerly Invitae), Labcorp
Classification: Pathogenic for Marfan syndrome; Familial thoracic aortic aneurysm and aortic dissection. Last evaluated: 2025-09-19. Review status: criteria provided, single submitter. Criteria: Invitae Variant Classification Sherloc (09022015). Collection method: clinical testing. Allele origin: germline.
Comment: This sequence change creates a premature translational stop signal (p.Cys224Serfs*25) in the FBN1 gene. It is expected to result in an absent or disrupted protein product. Loss-of-function variants in FBN1 are known to be pathogenic (PMID: 17657824, 19293843). This variant is not present in population databases (gnomAD no frequency). This variant has not been reported in the literature in individuals affected with FBN1-related conditions. For these reasons, this variant has been classified as Pathogenic.

Literature cited by the submitters: PubMed 17657824; PubMed 19293843.

NM_000138.5(FBN1):c.671_672del (p.Cys224fs)

Gene: FBN1 (fibrillin 1; minus strand). Cytogenetic location: 15q21.1.
Variant type: Microsatellite.
Coding change: c.671_672del on transcript NM_000138.5 (MANE Select); coding-DNA positions 671 to 672, 2 bases deleted (GT; older notation c.671_672delGT).
Protein change: p.Cys224fs; shifts the reading frame from cysteine 224.
Molecular consequence: frameshift variant.
Genome position (GRCh38, 1-based): chr15:48,537,675-48,537,676, AC deleted on the plus strand (GT on the coding strand, the reverse complement: FBN1 is on the minus strand); deleting any 2 consecutive bases within chr15:48,537,675-48,537,679 gives the same sequence; the c. name uses the placement nearest the transcript's 3' end. VCF-style (leftmost placement, unchanged base first): chr15-48537674-GAC-G. GRCh37 (hg19) VCF-style: chr15-48829871-GAC-G.
Other names: c.671_672del, p.Cys224fs (NM_001406716.1, NM_001406717.1); short protein forms C224fs.
Identifiers: ClinVar variation 4786169 (VCV004786169.1).